The following is an entry in ClinVar:

ClinVar aggregate classification (germline): Likely benign (0 of 4 stars; one submission).

Conditions:
LENG8-related disorder. Also called: LENG8-related condition.

Allele frequency attached by ClinVar (database versions not stated): ExAC 0.00055; 1000 Genomes Project 0.00100; 1000 Genomes Project 30x 0.00109; ESP Exome Variant Server 0.00131; gnomAD 0.00135; TOPMed 0.00155.

Submission:

PreventionGenetics, part of Exact Sciences
Classification: Likely benign for LENG8-related condition. Last evaluated: 2019-11-11. Review status: no assertion criteria provided. Collection method: clinical testing. Allele origin: germline.
Comment: This variant is classified as likely benign based on ACMG/AMP sequence variant interpretation guidelines (Richards et al. 2015 PMID: 25741868, with internal and published modifications).

NM_052925.4(LENG8):c.1023G>A (p.Pro341=)

Gene: LENG8 (leukocyte receptor cluster member 8; plus strand). Cytogenetic location: 19q13.42.
Variant type: single nucleotide variant.
Coding change: c.1023G>A on transcript NM_052925.4 (MANE Select); coding-DNA position 1023, G replaced by A.
Protein change: p.Pro341=; no amino-acid change (proline 341 retained).
Molecular consequence: synonymous variant.
Genome position (GRCh38, 1-based): chr19:54,455,565, G>A. VCF-style: chr19-54455565-G-A. GRCh37 (hg19) VCF-style: chr19-54966744-G-A.
Other names: c.1023G>A, p.Pro341= (NM_001375638.1, NM_001375640.1, NM_001375641.1); c.969G>A, p.Pro323= (NM_001375639.1); c.912G>A, p.Pro304= (NM_001411063.1).
Identifiers: ClinVar variation 3045258 (VCV003045258.2), dbSNP rs138334094, ClinGen allele CA309657869.
Genomic context (GRCh38, chr19:54,455,565, plus strand): 5'-GCAGGCGCGGCTGCAGGACGGCTCGGCCTATACCATTGACTGGAGCCGGGAGCCCTTGCC[G>A]GGGTTAGTCTGGGTGGGGGACATAGGTGGGAGGGTGGTGCTGTGAGAGGCATGGGCTGGG-3'
Protein context (NP_443157.1, residues 331-351): YTIDWSREPL[Pro341=]GLTREPVAES